The following is an entry in ClinVar:

ClinVar aggregate classification (germline): Uncertain significance. Review status: criteria provided, multiple submitters, no conflicts (2 of 4 stars). 2 submissions from 2 submitters: Uncertain significance (2). Last evaluated 2025-03-20.

gnomAD v4.1: 315 of 1,598,296 alleles (0.02%); highest among the groups gnomAD compares: South Asian, 0.028%; 1 homozygote.

Submissions (2):

Labcorp Genetics (formerly Invitae), Labcorp
Classification: Uncertain significance. Last evaluated: 2025-03-20. Review status: criteria provided, single submitter. Criteria: Invitae Variant Classification Sherloc (09022015). Collection method: clinical testing. Allele origin: germline.
Comment: This sequence change replaces proline, which is neutral and non-polar, with leucine, which is neutral and non-polar, at codon 378 of the TOP1MT protein (p.Pro378Leu). This variant is present in population databases (rs200616739, gnomAD 0.06%), and has an allele count higher than expected for a pathogenic variant. This variant has not been reported in the literature in individuals affected with TOP1MT-related conditions. Invitae Evidence Modeling of protein sequence and biophysical properties (such as structural, functional, and spatial information, amino acid conservation, physicochemical variation, residue mobility, and thermodynamic stability) indicates that this missense variant is not expected to disrupt TOP1MT protein function with a negative predictive value of 80%. In summary, the available evidence is currently insufficient to determine the role of this variant in disease. Therefore, it has been classified as a Variant of Uncertain Significance.

Ambry Genetics
Classification: Uncertain significance. Last evaluated: 2025-02-14. Review status: criteria provided, single submitter. Criteria: Ambry Variant Classification Scheme 2023. Collection method: clinical testing. Allele origin: germline.

NM_052963.3(TOP1MT):c.1133C>T (p.Pro378Leu)

Gene: TOP1MT (DNA topoisomerase I mitochondrial; minus strand). Cytogenetic location: 8q24.3.
Variant type: single nucleotide variant.
Coding change: c.1133C>T on transcript NM_052963.3 (MANE Select); coding-DNA position 1133, C replaced by T.
Protein change: p.Pro378Leu; replaces proline 378 with leucine.
Molecular consequence: missense variant.
Genome position (GRCh38, 1-based): chr8:143,321,214, G>A on the plus strand (C>T on the coding strand, the complement: TOP1MT is on the minus strand). VCF-style: chr8-143321214-G-A. GRCh37 (hg19) VCF-style: chr8-144403384-G-A.
Other names: c.839C>T, p.Pro280Leu (NM_001258446.1, NM_001258447.1); short protein forms P280L, P378L.
Identifiers: ClinVar variation 3809515 (VCV003809515.2).